The following is an entry in ClinVar:

ClinVar aggregate classification (germline): Uncertain significance. Review status: criteria provided, multiple submitters, no conflicts (2 of 4 stars). 2 submissions from 2 submitters: Uncertain significance (2). Last evaluated 2025-01-29.

Allele frequency attached by ClinVar (database versions not stated): ExAC 0.00001; gnomAD exomes 0.00001 and 0.00002.
gnomAD v4.1: 33 of 1,613,626 alleles (0.002%); highest among the groups gnomAD compares: South Asian, 0.0088%; no homozygotes.

Submissions (2):

Labcorp Genetics (formerly Invitae), Labcorp
Classification: Uncertain significance. Last evaluated: 2025-01-29. Review status: criteria provided, single submitter. Criteria: Invitae Variant Classification Sherloc (09022015). Collection method: clinical testing. Allele origin: germline.
Comment: This sequence change replaces threonine, which is neutral and polar, with methionine, which is neutral and non-polar, at codon 2334 of the DCHS1 protein (p.Thr2334Met). This variant is present in population databases (rs753548138, gnomAD 0.003%). This missense change has been observed in individual(s) with Van Maldergem syndrome (PMID: 29046692). ClinVar contains an entry for this variant (Variation ID: 1700872). Invitae Evidence Modeling of protein sequence and biophysical properties (such as structural, functional, and spatial information, amino acid conservation, physicochemical variation, residue mobility, and thermodynamic stability) indicates that this missense variant is not expected to disrupt DCHS1 protein function with a negative predictive value of 80%. In summary, the available evidence is currently insufficient to determine the role of this variant in disease. Therefore, it has been classified as a Variant of Uncertain Significance.

GeneDx
Classification: Uncertain significance. Last evaluated: 2022-01-20. Review status: criteria provided, single submitter. Criteria: GeneDx Variant Classification Process June 2021. Collection method: clinical testing. Allele origin: germline. Affected: yes.
Comment: Identified by whole exome sequencing in an individual with Van Maldergem syndrome who also harbored a second missense variant on the opposite allele (in trans) (Sotos et al., 2017); Not observed at significant frequency in large population cohorts (gnomAD); In silico analysis supports that this missense variant has a deleterious effect on protein structure/function; This variant is associated with the following publications: (PMID: 29046692)

Literature cited by the submitters: PubMed 29046692 (cited by Labcorp Genetics (formerly Invitae), Labcorp).

NM_003737.4(DCHS1):c.7001C>T (p.Thr2334Met)

Gene: DCHS1 (dachsous cadherin-related 1; minus strand). Cytogenetic location: 11p15.4.
Variant type: single nucleotide variant.
Coding change: c.7001C>T on transcript NM_003737.4 (MANE Select); coding-DNA position 7001, C replaced by T.
Protein change: p.Thr2334Met; replaces threonine 2334 with methionine.
Molecular consequence: missense variant.
Genome position (GRCh38, 1-based): chr11:6,625,343, G>A on the plus strand (C>T on the coding strand, the complement: DCHS1 is on the minus strand). VCF-style: chr11-6625343-G-A. GRCh37 (hg19) VCF-style: chr11-6646574-G-A.
Other names: short protein forms T2334M.
Identifiers: ClinVar variation 1700872 (VCV001700872.5), dbSNP rs753548138, ClinGen allele CA5859713.